The following is an entry in ClinVar:

NM_002979.5(SCP2):c.838dup (p.Met280fs)

Gene: SCP2 (sterol carrier protein 2; plus strand). Cytogenetic location: 1p32.3.
Variant type: Duplication.
Coding change: c.838dup on transcript NM_002979.5 (MANE Select); coding-DNA position 838, one base duplicated (A; older notation c.838dupA).
Protein change: p.Met280fs; shifts the reading frame from methionine 280.
Molecular consequence: frameshift variant.
Genome position (GRCh38, 1-based): chr1:52,980,408, A duplicated. VCF-style (leftmost placement, unchanged base first): chr1-52980407-T-TA. GRCh37 (hg19) VCF-style: chr1-53446079-T-TA.
Other names: c.706dup, p.Met236fs (NM_001007098.3, NM_001193600.2); c.766dup, p.Met256fs (NM_001193599.2); c.595dup, p.Met199fs (NM_001193617.2); c.838dup, p.Met280fs (NM_001330587.2); short protein forms M199fs, M256fs, M280fs, M236fs.
Identifiers: ClinVar variation 1400862 (VCV001400862.6), dbSNP rs1258568007, ClinGen allele CA736850461.

ClinVar aggregate classification (germline): Pathogenic (1 of 4 stars; one submission).

Allele frequency attached by ClinVar (database versions not stated): gnomAD exomes below 0.00001; TOPMed below 0.00001; gnomAD 0.00001.

Submission:

Labcorp Genetics (formerly Invitae), Labcorp
Classification: Pathogenic. Last evaluated: 2022-09-25. Review status: criteria provided, single submitter. Criteria: Invitae Variant Classification Sherloc (09022015). Collection method: clinical testing. Allele origin: germline.
Comment: For these reasons, this variant has been classified as Pathogenic. ClinVar contains an entry for this variant (Variation ID: 1400862). This variant has not been reported in the literature in individuals affected with SCP2-related conditions. This variant is not present in population databases (gnomAD no frequency). This sequence change creates a premature translational stop signal (p.Met280Asnfs*3) in the SCP2 gene. It is expected to result in an absent or disrupted protein product. Loss-of-function variants in SCP2 are known to be pathogenic (PMID: 16685654, 26497993).

Literature cited by the submitters: PubMed 16685654; PubMed 26497993.